The following is an entry in ClinVar:

ClinVar aggregate classification (germline): Uncertain significance (1 of 4 stars; one submission).

Allele frequency attached by ClinVar (database versions not stated): gnomAD exomes below 0.00001; ExAC 0.00001.
gnomAD v4.1: 3 of 1,609,932 alleles (0.00019%); highest among the groups gnomAD compares: African/African-American, 0.0013%; no homozygotes.

Submission:

Labcorp Genetics (formerly Invitae), Labcorp
Classification: Uncertain significance. Last evaluated: 2023-10-09. Review status: criteria provided, single submitter. Criteria: Invitae Variant Classification Sherloc (09022015). Collection method: clinical testing. Allele origin: germline.
Comment: This sequence change replaces alanine, which is neutral and non-polar, with valine, which is neutral and non-polar, at codon 302 of the SLC19A1 protein (p.Ala302Val). This variant is present in population databases (rs772342183, gnomAD 0.006%). This variant has not been reported in the literature in individuals affected with SLC19A1-related conditions. An algorithm developed to predict the effect of missense changes on protein structure and function (PolyPhen-2) suggests that this variant is likely to be tolerated. In summary, the available evidence is currently insufficient to determine the role of this variant in disease. Therefore, it has been classified as a Variant of Uncertain Significance.

NM_194255.4(SLC19A1):c.905C>T (p.Ala302Val)

Gene: SLC19A1 (solute carrier family 19 member 1; minus strand). Cytogenetic location: 21q22.3.
Variant type: single nucleotide variant.
Coding change: c.905C>T on transcript NM_194255.4 (MANE Select); coding-DNA position 905, C replaced by T.
Protein change: p.Ala302Val; replaces alanine 302 with valine.
Molecular consequence: missense variant.
Genome position (GRCh38, 1-based): chr21:45,531,433, G>A on the plus strand (C>T on the coding strand, the complement: SLC19A1 is on the minus strand). VCF-style: chr21-45531433-G-A. GRCh37 (hg19) VCF-style: chr21-46951347-G-A.
Other names: c.905C>T, p.Ala302Val (NM_001205206.4, NM_001352511.3, NM_001352512.2); c.785C>T, p.Ala262Val (NM_001205207.3); c.551C>T, p.Ala184Val (NM_001352510.2); short protein forms A184V, A262V, A302V.
Identifiers: ClinVar variation 2880016 (VCV002880016.3), dbSNP rs772342183, ClinGen allele CA10068507.